The following is an entry in ClinVar:

ClinVar aggregate classification (germline): Conflicting classifications of pathogenicity. Review status: criteria provided, conflicting classifications (1 of 4 stars). 4 submissions from 4 submitters: Pathogenic (2); Uncertain significance (1). 1 of the submissions does not count toward it. Last evaluated 2025-11-19.

Conditions:
Papillon-Lefèvre syndrome (PALS). Also called: KERATOSIS PALMOPLANTARIS WITH PERIODONTOPATHIA; Papillon-Lefevre Disease. Identifiers: Orphanet 678, MedGen C0030360, MONDO:0009490, OMIM 245000.
Haim-Munk syndrome (HMS). Also called: COCHIN JEWISH DISORDER; KERATOSIS PALMOPLANTARIS WITH PERIODONTOPATHIA AND ONYCHOGRYPOSIS. Identifiers: Orphanet 2342, MedGen C1855627, MONDO:0009491, OMIM 245010.
Periodontitis, aggressive. Identifiers: MedGen C0031106, MONDO:0980757.

Allele frequency attached by ClinVar (database versions not stated): gnomAD exomes below 0.00001; TOPMed 0.00002; gnomAD 0.00001.
gnomAD v4.1: 4 of 1,614,014 alleles (0.00025%); highest among the groups gnomAD compares: Admixed American, 0.0017%; no homozygotes.

Submissions (4):

Labcorp Genetics (formerly Invitae), Labcorp
Classification: Pathogenic for Haim-Munk syndrome; Periodontitis, aggressive; Papillon-Lefèvre syndrome. Last evaluated: 2025-11-19. Review status: criteria provided, single submitter. Criteria: Invitae Variant Classification Sherloc (09022015). Collection method: clinical testing. Allele origin: germline.
Comment: This sequence change replaces glutamine, which is neutral and polar, with arginine, which is basic and polar, at codon 286 of the CTSC protein (p.Gln286Arg). This variant is not present in population databases (gnomAD no frequency). This missense change has been observed in individual(s) with Haim-Munk syndrome (PMID: 10662807). It has also been observed to segregate with disease in related individuals. ClinVar contains an entry for this variant (Variation ID: 7294). Invitae Evidence Modeling of protein sequence and biophysical properties (such as structural, functional, and spatial information, amino acid conservation, physicochemical variation, residue mobility, and thermodynamic stability) indicates that this missense variant is expected to disrupt CTSC protein function with a positive predictive value of 80%. For these reasons, this variant has been classified as Pathogenic.

GeneDx
Classification: Uncertain significance. Last evaluated: 2020-03-02. Review status: criteria provided, single submitter. Criteria: GeneDx Variant Classification Process June 2021. Collection method: clinical testing. Allele origin: germline. Affected: yes.
Comment: Not observed at a significant frequency in large population cohorts (Lek et al., 2016); In silico analysis, which includes protein predictors and evolutionary conservation, supports a deleterious effect; This variant is associated with the following publications: (PMID: 11180601, 10662807, 31846207)

Eurofins Ntd Llc (ga)
Classification: Pathogenic. Last evaluated: 2014-10-14. Review status: criteria provided, single submitter. Criteria: EGL Classification Definitions 2015. Collection method: clinical testing. Allele origin: germline.

OMIM
Classification: Pathogenic for HAIM-MUNK SYNDROME. Last evaluated: 2000-02-01. Review status: no assertion criteria provided. Collection method: literature only. Allele origin: germline. Not counted in ClinVar's aggregate classification.

Literature cited by the submitters: PubMed 10662807 (cited by Labcorp Genetics (formerly Invitae), Labcorp and OMIM).

NM_001814.6(CTSC):c.857A>G (p.Gln286Arg)

Gene: CTSC (cathepsin C; minus strand). Cytogenetic location: 11q14.2.
Variant type: single nucleotide variant.
Coding change: c.857A>G on transcript NM_001814.6 (MANE Select); coding-DNA position 857, A replaced by G.
Protein change: p.Gln286Arg; replaces glutamine 286 with arginine.
Molecular consequence: missense variant.
Genome position (GRCh38, 1-based): chr11:88,296,165, T>C on the plus strand (A>G on the coding strand, the complement: CTSC is on the minus strand). VCF-style: chr11-88296165-T-C. GRCh37 (hg19) VCF-style: chr11-88029333-T-C.
Other names: c.857A>G, p.Gln286Arg (LRG_50t1); short protein forms Q286R.
Identifiers: ClinVar variation 7294 (VCV000007294.13), dbSNP rs104894208, ClinGen allele CA118683.
Genomic context (GRCh38, chr11:88,296,165, plus strand): 5'-TAAATGGTGTCTGAAATGCAACACTTACCTTGAGCATACTGGCTACAAGACACAACCTCC[T>C]GAGGGCTTAGGATTGGGGTCTGAGAATTGTTGGTTAGTATACGGATTCTCGCTTCTAGCA-3'
Protein context (NP_001805.4, residues 276-296): NNSQTPILSP[Gln286Arg]EVVSCSQYAQ